The following is an entry in ClinVar:

NM_001159699.2(FHL1):c.416A>G (p.His139Arg)

Gene: FHL1 (four and a half LIM domains 1; plus strand). Cytogenetic location: Xq26.3.
Variant type: single nucleotide variant.
Coding change: c.416A>G on transcript NM_001159699.2 (MANE Select); coding-DNA position 416, A replaced by G.
Protein change: p.His139Arg; replaces histidine 139 with arginine.
Molecular consequence: missense variant. On other transcripts: non-coding transcript variant (1).
Genome position (GRCh38, 1-based): chrX:136,207,828, A>G. VCF-style: chrX-136207828-A-G. GRCh37 (hg19) VCF-style: chrX-135289987-A-G.
Other names: c.368A>G, p.His123Arg (NM_001159700.2, NM_001159702.3, NM_001159703.2 and 9 more transcripts); c.455A>G, p.His152Arg (NM_001159701.2); c.416A>G, p.His139Arg (NM_001330659.2); short protein forms H123R, H139R, H152R.
Identifiers: ClinVar variation 537353 (VCV000537353.8), dbSNP rs267606812, ClinGen allele CA414608363.

ClinVar aggregate classification (germline): Pathogenic (1 of 4 stars; one submission).

Conditions:
X-linked myopathy with postural muscle atrophy. Also called: FHL1-Related Emery-Dreifuss Muscular Dystrophy, X-Linked. Identifiers: Orphanet 178461, MedGen C2678055, MONDO:0010401, OMIM 300696.

Submission:

Labcorp Genetics (formerly Invitae), Labcorp
Classification: Pathogenic for X-linked myopathy with postural muscle atrophy. Last evaluated: 2022-11-16. Review status: criteria provided, single submitter. Criteria: Invitae Variant Classification Sherloc (09022015). Collection method: clinical testing. Allele origin: germline.
Comment: ClinVar contains an entry for this variant (Variation ID: 537353). For these reasons, this variant has been classified as Pathogenic. This variant disrupts the p.His123 amino acid residue in FHL1. Other variant(s) that disrupt this residue have been determined to be pathogenic (PMID: 18274675, 19181672, 24634512). This suggests that this residue is clinically significant, and that variants that disrupt this residue are likely to be disease-causing. Algorithms developed to predict the effect of missense changes on protein structure and function (SIFT, PolyPhen-2, Align-GVGD) all suggest that this variant is likely to be disruptive. This missense change has been observed in individual(s) with X-linked dominant reducing body myopathy (PMID: 22094483, 31204143; Invitae). In at least one individual the variant was observed to be de novo. This variant is not present in population databases (gnomAD no frequency). This sequence change replaces histidine, which is basic and polar, with arginine, which is basic and polar, at codon 123 of the FHL1 protein (p.His123Arg).

Literature cited by the submitters: PubMed 18274675; PubMed 19181672; PubMed 24634512; PubMed 22094483; PubMed 31204143.